The following is an entry in ClinVar:

ClinVar aggregate classification (germline): Benign (1 of 4 stars; one submission).

Allele frequency attached by ClinVar (database versions not stated): gnomAD 0.02331; 1000 Genomes Project 0.02496; 1000 Genomes Project 30x 0.02701; TOPMed 0.02822.
gnomAD v4.1: 3,758 of 152,268 alleles (2.5%); highest among the groups gnomAD compares: African/African-American, 8.5%; 151 homozygotes.

Submission:

GeneDx
Classification: Benign. Last evaluated: 2018-06-15. Review status: criteria provided, single submitter. Criteria: GeneDx Variant Classification (06012015). Collection method: clinical testing. Allele origin: germline. Affected: yes.
Comment: This variant is considered likely benign or benign based on one or more of the following criteria: it is a conservative change, it occurs at a poorly conserved position in the protein, it is predicted to be benign by multiple in silico algorithms, and/or has population frequency not consistent with disease.

NM_001035.3(RYR2):c.3424-226T>A

Gene: RYR2 (ryanodine receptor 2; plus strand). Cytogenetic location: 1q43.
Variant type: single nucleotide variant.
Coding change: c.3424-226T>A on transcript NM_001035.3 (MANE Select); 226 bases into the intron before coding-DNA position 3424, T replaced by A.
Molecular consequence: intron variant.
Genome position (GRCh38, 1-based): chr1:237,568,919, T>A. VCF-style: chr1-237568919-T-A. GRCh37 (hg19) VCF-style: chr1-237732219-T-A.
Identifiers: ClinVar variation 679608 (VCV000679608.1), dbSNP rs80116093, ClinGen allele CA39783274.
Genomic context (GRCh38, chr1:237,568,919, plus strand): 5'-ATGTGAGGTTCGATTTTTAAAATAATAAGCTCTCAAAATCATGACATAGATTTTGGATTT[T>A]TTTCCCAAGATTCGATAATATACCATGTTAATATTAGGTAGGGATTTAGAATTCCCAGAC-3'